The following is an entry in ClinVar:

ClinVar aggregate classification (germline): Conflicting classifications of pathogenicity. Review status: criteria provided, conflicting classifications (1 of 4 stars). 4 submissions from 4 submitters: Uncertain significance (3); Likely benign (1). Last evaluated 2026-04-01.

Allele frequency attached by ClinVar (database versions not stated): 1000 Genomes Project 30x 0.00016; 1000 Genomes Project 0.00020; ExAC 0.00069; gnomAD exomes 0.00069 and 0.00122; ESP Exome Variant Server 0.00087; gnomAD 0.00087 and 0.00110; TOPMed 0.00101.
gnomAD v4.1: 1,906 of 1,608,260 alleles (0.12%); highest among the groups gnomAD compares: Non-Finnish European, 0.15%; 1 homozygote.

Submissions (4):

CeGaT Center for Human Genetics Tuebingen
Classification: Likely benign. Last evaluated: 2026-04-01. Review status: criteria provided, single submitter. Criteria: CeGaT Center For Human Genetics Tuebingen Variant Classification Criteria Version 2. Collection method: clinical testing. Allele origin: germline. Affected: yes. Observed: 1 variant allele.
Comment: INTS1: BP4

GeneDx
Classification: Uncertain significance. Last evaluated: 2024-06-25. Review status: criteria provided, single submitter. Criteria: GeneDx Variant Classification Process June 2021. Collection method: clinical testing. Allele origin: germline. Affected: yes.
Comment: Has been reported in a patient with features of primary immunodeficiency who also harbored another variant in the INTS1 gene, although phase of these two variants was not specified; this individual also harbored several other variants, including a de novo heterozygous variant in CXXC5 which the authors proposed was the causative variant (PMID: 33075407); In silico analysis indicates that this missense variant does not alter protein structure/function; This variant is associated with the following publications: (PMID: 33075407)

Labcorp Genetics (formerly Invitae), Labcorp
Classification: Uncertain significance. Last evaluated: 2021-09-02. Review status: criteria provided, single submitter. Criteria: Invitae Variant Classification Sherloc (09022015). Collection method: clinical testing. Allele origin: germline.
Comment: This sequence change replaces glutamine with arginine at codon 1448 of the INTS1 protein (p.Gln1448Arg). The glutamine residue is moderately conserved and there is a small physicochemical difference between glutamine and arginine. This variant is present in population databases (rs185292877, ExAC 0.1%). This variant has not been reported in the literature in individuals affected with INTS1-related conditions. Algorithms developed to predict the effect of missense changes on protein structure and function (SIFT, PolyPhen-2, Align-GVGD) all suggest that this variant is likely to be tolerated. In summary, the available evidence is currently insufficient to determine the role of this variant in disease. Therefore, it has been classified as a Variant of Uncertain Significance.

Breakthrough Genomics
Classification: Uncertain significance. Review status: criteria provided, single submitter. Criteria: ACMG Guidelines, 2015. Collection method: not provided. Allele origin: germline. Inheritance: Autosomal recessive inheritance. Affected: yes.

NM_001080453.3(INTS1):c.4343A>G (p.Gln1448Arg)

Gene: INTS1 (integrator complex subunit 1; minus strand). Cytogenetic location: 7p22.3.
Variant type: single nucleotide variant.
Coding change: c.4343A>G on transcript NM_001080453.3 (MANE Select); coding-DNA position 4343, A replaced by G.
Protein change: p.Gln1448Arg; replaces glutamine 1448 with arginine.
Molecular consequence: missense variant.
Genome position (GRCh38, 1-based): chr7:1,478,872, T>C on the plus strand (A>G on the coding strand, the complement: INTS1 is on the minus strand). VCF-style: chr7-1478872-T-C. GRCh37 (hg19) VCF-style: chr7-1518508-T-C.
Other names: short protein forms Q1448R.
Identifiers: ClinVar variation 641028 (VCV000641028.8), dbSNP rs185292877, ClinGen allele CA4118886.